The following is an entry in ClinVar:

NM_002941.4(ROBO1):c.2883G>A (p.Arg961=)

Gene: ROBO1 (roundabout guidance receptor 1; minus strand). Cytogenetic location: 3p12.3.
Variant type: single nucleotide variant.
Coding change: c.2883G>A on transcript NM_002941.4 (MANE Select); coding-DNA position 2883, G replaced by A.
Protein change: p.Arg961=; no amino-acid change (arginine 961 retained).
Molecular consequence: synonymous variant.
Genome position (GRCh38, 1-based): chr3:78,639,898, C>T on the plus strand (G>A on the coding strand, the complement: ROBO1 is on the minus strand). VCF-style: chr3-78639898-C-T. GRCh37 (hg19) VCF-style: chr3-78689048-C-T.
Other names: c.2748G>A, p.Arg916= (NM_001145844.1, NM_001145845.2, NM_133631.4).
Identifiers: ClinVar variation 2909534 (VCV002909534.13), dbSNP rs756605964, ClinGen allele CA2498507.

ClinVar aggregate classification (germline): Conflicting classifications of pathogenicity. Review status: criteria provided, conflicting classifications (1 of 4 stars). 2 submissions from 2 submitters: Uncertain significance (1); Likely benign (1). Last evaluated 2025-05-01.

Allele frequency attached by ClinVar (database versions not stated): gnomAD 0.00001; TOPMed 0.00001; ExAC 0.00002.
gnomAD v4.1: 14 of 1,541,132 alleles (0.00091%); highest among the groups gnomAD compares: Middle Eastern, 0.054%; no homozygotes.

Submissions (2):

CeGaT Center for Human Genetics Tuebingen
Classification: Likely benign. Last evaluated: 2025-05-01. Review status: criteria provided, single submitter. Criteria: CeGaT Center For Human Genetics Tuebingen Variant Classification Criteria Version 2. Collection method: clinical testing. Allele origin: germline. Affected: yes. Observed: 1 variant allele.
Comment: ROBO1: BP4, BP7

Labcorp Genetics (formerly Invitae), Labcorp
Classification: Uncertain significance. Last evaluated: 2024-10-25. Review status: criteria provided, single submitter. Criteria: Invitae Variant Classification Sherloc (09022015). Collection method: clinical testing. Allele origin: germline.
Comment: This sequence change affects codon 961 of the ROBO1 mRNA. It is a 'silent' change, meaning that it does not change the encoded amino acid sequence of the ROBO1 protein. It affects a nucleotide within the consensus splice site. This variant is present in population databases (rs756605964, gnomAD 0.006%). This variant has not been reported in the literature in individuals affected with ROBO1-related conditions. Algorithms developed to predict the effect of sequence changes on RNA splicing suggest that this variant is not likely to affect RNA splicing. In summary, the available evidence is currently insufficient to determine the role of this variant in disease. Therefore, it has been classified as a Variant of Uncertain Significance.